The following is an entry in ClinVar:

ClinVar aggregate classification (germline): Uncertain significance (1 of 4 stars; one submission).

Allele frequency attached by ClinVar (database versions not stated): gnomAD 0.00001; gnomAD exomes 0.00001 and 0.00002; TOPMed 0.00002.
gnomAD v4.1: 17 of 1,209,993 alleles (0.0014%); highest among the groups gnomAD compares: Non-Finnish European, 0.0019%; no homozygotes.

Submission:

Women's Health and Genetics/Laboratory Corporation of America, LabCorp
Classification: Uncertain significance. Last evaluated: 2019-08-14. Review status: criteria provided, single submitter. Criteria: LabCorp Variant Classification Summary - May 2015. Collection method: clinical testing. Allele origin: germline.
Comment: Variant summary: AFF2 c.1702G>A (p.Val568Ile) results in a conservative amino acid change in the encoded protein sequence. Five of five in-silico tools predict a benign effect of the variant on protein function. The variant allele was found at a frequency of 1.1e-05 in 183394 control chromosomes. The available data on variant occurrences in the general population are insufficient to allow any conclusion about variant significance. To our knowledge, no occurrence of c.1702G>A in individuals affected with Mental retardation, X-linked, FRAXE type and no experimental evidence demonstrating its impact on protein function have been reported. No clinical diagnostic laboratories have submitted clinical-significance assessments for this variant to ClinVar after 2014. Based on the evidence outlined above, the variant was classified as uncertain significance.

NM_002025.4(AFF2):c.1702G>A (p.Val568Ile)

Gene: AFF2 (ALF transcription elongation factor 2; plus strand). Cytogenetic location: Xq28.
Variant type: single nucleotide variant.
Coding change: c.1702G>A on transcript NM_002025.4 (MANE Select); coding-DNA position 1702, G replaced by A.
Protein change: p.Val568Ile; replaces valine 568 with isoleucine.
Molecular consequence: missense variant.
Genome position (GRCh38, 1-based): chrX:148,955,747, G>A. VCF-style: chrX-148955747-G-A. GRCh37 (hg19) VCF-style: chrX-148037277-G-A.
Other names: c.1603G>A, p.Val535Ile (NM_001169122.2); c.1672G>A, p.Val558Ile (NM_001169123.2); c.1597G>A, p.Val533Ile (NM_001169124.2); c.1585G>A, p.Val529Ile (NM_001169125.2); c.625G>A, p.Val209Ile (NM_001170628.1); short protein forms V209I, V529I, V533I, V535I, V558I, V568I.
Identifiers: ClinVar variation 928946 (VCV000928946.1), dbSNP rs1369501597, ClinGen allele CA414513131.